The following is an entry in ClinVar:

ClinVar aggregate classification (germline): Pathogenic/Likely pathogenic. Review status: criteria provided, multiple submitters, no conflicts (2 of 4 stars). 3 submissions from 3 submitters: Pathogenic (1); Likely pathogenic (1). 1 of the submissions does not count toward it. Last evaluated 2020-01-01.

Conditions:
Craniotubular dysplasia, Ikegawa type (CTDI). Identifiers: MedGen C5575335, MONDO:0859226, OMIM 619727.
TMEM53-related craniotubular dysplasia.

Submissions (3):

Laboratory for Bone and Joint Diseases, RIKEN
Classification: Pathogenic for TMEM53-related craniotubular dysplasia. Last evaluated: 2020-01-01. Review status: criteria provided, single submitter. Criteria: ACMG Guidelines, 2015. Collection method: research. Allele origin: germline. Affected: yes.
Comment: the homozyogous variant is related to a novel type of skeletal dysplasia

Neuberg Centre For Genomic Medicine, NCGM
Classification: Likely pathogenic for Craniotubular dysplasia, Ikegawa type. Review status: criteria provided, single submitter. Criteria: ACMG Guidelines, 2015. Collection method: clinical testing. Allele origin: germline. Inheritance: Autosomal recessive inheritance. Affected: yes.
Comment: The splice region c.62-5_62-3del variant in the TMEM53 gene has been reported previously in homozygous state in an Indian family affected with craniotubular dysplasia of the Ikegawa type (Guo et al., 2021). This variant is absent in the gnomAD Exomes. It is submitted to ClinVar as Pathogenic. The variant affects 3-bp deletion in intron 1 of the TMEM53 gene. However, study on multiple affected individuals and functional impact of the variant is not available. Loss of function variants has been previously reported to be disease-causing. For these reasons, this variant has been classified as Likely Pathogenic.

OMIM
Classification: Pathogenic for CRANIOTUBULAR DYSPLASIA, IKEGAWA TYPE. Last evaluated: 2022-01-27. Review status: no assertion criteria provided. Collection method: literature only. Allele origin: germline. Not counted in ClinVar's aggregate classification.

Literature cited by the submitters: PubMed 33824347 (cited by OMIM).

NM_024587.4(TMEM53):c.62-5_62-3del

Gene: TMEM53 (transmembrane protein 53; minus strand). Cytogenetic location: 1p34.1.
Variant type: Deletion.
Coding change: c.62-5_62-3del on transcript NM_024587.4 (MANE Select); 5 bases into the intron before coding-DNA position 62 through 3 bases into the intron before coding-DNA position 62, 3 bases deleted (TTC; older notation c.62-5_62-3delTTC).
Molecular consequence: intron variant.
Genome position (GRCh38, 1-based): chr1:44,660,298-44,660,300, GAA deleted on the plus strand (TTC on the coding strand, the reverse complement: TMEM53 is on the minus strand). VCF-style (leftmost placement, unchanged base first): chr1-44660297-TGAA-T. GRCh37 (hg19) VCF-style: chr1-45125969-TGAA-T.
Other names: c.-36-5091_-36-5089del (NM_001300746.2); c.62-5_62-3del (NM_001300748.2, NM_001300747.2); c.62-5_62-3delTTC (NM_024587.4).
Identifiers: ClinVar variation 986738 (VCV000986738.4), dbSNP rs1644889088, ClinGen allele CA1139656109.